The following is an entry in ClinVar:

NM_000535.7(PMS2):c.2007-2_2007-1delinsCA

Gene: PMS2 (PMS1 homolog 2, mismatch repair system component; minus strand). Cytogenetic location: 7p22.1.
Variant type: Indel.
Coding change: c.2007-2_2007-1delinsCA on transcript NM_000535.7 (MANE Select); the canonical splice acceptor site of the intron before coding-DNA position 2007, AG replaced by CA.
Molecular consequence: splice acceptor variant.
Genome position (GRCh38, 1-based): chr7:5,982,992-5,982,993, CT replaced by TG on the plus strand (AG replaced by CA on the coding strand, the reverse complement: PMS2 is on the minus strand). VCF-style: chr7-5982992-CT-TG. GRCh37 (hg19) VCF-style: chr7-6022623-CT-TG.
Other names: c.1689-2_1689-1delinsCA (NM_001322008.2, NM_001322007.2); c.1446-2_1446-1delinsCA (NM_001322010.2); c.1602-2_1602-1delinsCA (NM_001322004.2, NM_001322003.2, NM_001322009.2 and 1 more transcripts); c.1434-2_1434-1delinsCA (NM_001322013.2); c.1074-2_1074-1delinsCA (NM_001322012.2, NM_001322011.2); c.1698-2_1698-1delinsCA (NM_001322015.2); c.1851-2_1851-1delinsCA (NM_001322006.2); c.2007-2_2007-1delinsCA (NM_001322014.2).
Identifiers: ClinVar variation 932189 (VCV000932189.3), dbSNP rs1782473185, ClinGen allele CA1139659548.

ClinVar aggregate classification (germline): Conflicting classifications of pathogenicity. Review status: criteria provided, conflicting classifications (1 of 4 stars). 2 submissions from 2 submitters: Likely pathogenic (1); Uncertain significance (1). Last evaluated 2021-09-16.

Conditions:
Hereditary nonpolyposis colon cancer (HNPCC). Also called: Hereditary Nonpolyposis Colorectal Cancer Syndrome; Hereditary nonpolyposis colorectal cancer; Familial nonpolyposis colon cancer. Identifiers: Orphanet 443909, MedGen C1333990, MONDO:0018630. Disease mechanism: loss of function.
Hereditary nonpolyposis colorectal neoplasms. Identifiers: MedGen C0009405, MeSH D003123.

Submissions (2):

Labcorp Genetics (formerly Invitae), Labcorp
Classification: Uncertain significance for Hereditary nonpolyposis colorectal neoplasms. Last evaluated: 2021-09-16. Review status: criteria provided, single submitter. Criteria: Invitae Variant Classification Sherloc (09022015). Collection method: clinical testing. Allele origin: germline.
Comment: This sequence change affects a splice site in intron 11 of the PMS2 gene. It is expected to disrupt RNA splicing. Variants that disrupt the donor or acceptor splice site typically lead to a loss of protein function (PMID: 16199547), and loss-of-function variants in PMS2 are known to be pathogenic (PMID: 21376568, 24362816). This variant has not been reported in the literature in individuals affected with PMS2-related conditions. Algorithms developed to predict the effect of sequence changes on RNA splicing suggest that this variant may disrupt the consensus splice site. In summary, the available evidence is currently insufficient to determine the role of this variant in disease. Therefore, it has been classified as a Variant of Uncertain Significance.

Women's Health and Genetics/Laboratory Corporation of America, LabCorp
Classification: Likely pathogenic for Lynch syndrome. Last evaluated: 2020-05-14. Review status: criteria provided, single submitter. Criteria: LabCorp Variant Classification Summary - May 2015. Collection method: clinical testing. Allele origin: germline.
Comment: Variant summary: PMS2 c.2007-2_2007-1delinsCA is located in a canonical splice-site and is predicted to affect mRNA splicing resulting in a significantly altered protein due to either exon skipping, shortening, or inclusion of intronic material. Several computational tools predict a significant impact on normal splicing: Three predict the variant abolishes a canonical 3' acceptor site. However, these predictions have yet to be confirmed by functional studies. The variant was absent in 158418 control chromosomes. To our knowledge, no occurrence of c.2007-2_2007-1delinsCA in individuals affected with Lynch Syndrome and no experimental evidence demonstrating its impact on protein function have been reported. No clinical diagnostic laboratories have submitted clinical-significance assessments for this variant to ClinVar after 2014. Based on the evidence outlined above, the variant was classified as likely pathogenic.

Literature cited by the submitters: PubMed 16199547 (cited by Labcorp Genetics (formerly Invitae), Labcorp); PubMed 21376568 (cited by Labcorp Genetics (formerly Invitae), Labcorp); PubMed 24362816 (cited by Labcorp Genetics (formerly Invitae), Labcorp).